The following is an entry in ClinVar:

ClinVar aggregate classification (germline): Uncertain significance (1 of 4 stars; one submission).

gnomAD v4.1: 12 of 1,613,546 alleles (0.00074%); highest among the groups gnomAD compares: Non-Finnish European, 0.001%; no homozygotes.

Submission:

Labcorp Genetics (formerly Invitae), Labcorp
Classification: Uncertain significance. Last evaluated: 2026-01-26. Review status: criteria provided, single submitter. Criteria: Invitae Variant Classification Sherloc (09022015). Collection method: clinical testing. Allele origin: germline.
Comment: This sequence change replaces threonine, which is neutral and polar, with alanine, which is neutral and non-polar, at codon 250 of the POLD2 protein (p.Thr250Ala). This variant is present in population databases (rs200723893, gnomAD 0.003%). This variant has not been reported in the literature in individuals affected with POLD2-related conditions. Experimental studies and prediction algorithms are not available or were not evaluated, and the functional significance of this variant is currently unknown. In summary, the available evidence is currently insufficient to determine the role of this variant in disease. Therefore, it has been classified as a Variant of Uncertain Significance.

NM_006230.4(POLD2):c.643A>G (p.Thr215Ala)

Gene: POLD2 (DNA polymerase delta 2, accessory subunit; minus strand). Cytogenetic location: 7p13.
Variant type: single nucleotide variant.
Coding change: c.643A>G on transcript NM_006230.4 (MANE Select); coding-DNA position 643, A replaced by G.
Protein change: p.Thr215Ala; replaces threonine 215 with alanine.
Molecular consequence: missense variant.
Genome position (GRCh38, 1-based): chr7:44,116,954, T>C on the plus strand (A>G on the coding strand, the complement: POLD2 is on the minus strand). VCF-style: chr7-44116954-T-C. GRCh37 (hg19) VCF-style: chr7-44156553-T-C.
Other names: c.643A>G, p.Thr215Ala (NM_001127218.3, NM_001256879.2); short protein forms T215A.
Identifiers: ClinVar variation 4802497 (VCV004802497.1).